The following is an entry in ClinVar:

ClinVar aggregate classification (germline): Uncertain significance (1 of 4 stars; one submission).

gnomAD v4.1: 16 of 1,608,308 alleles (0.00099%); highest among the groups gnomAD compares: Non-Finnish European, 0.0014%; no homozygotes.

Submission:

CeGaT Center for Human Genetics Tuebingen
Classification: Uncertain significance. Last evaluated: 2022-07-01. Review status: criteria provided, single submitter. Criteria: CeGaT Center For Human Genetics Tuebingen Variant Classification Criteria Version 2. Collection method: clinical testing. Allele origin: germline. Affected: yes. Observed: 1 variant allele.
Comment: VPS13A: PM2, BP1, BP4

NM_033305.3(VPS13A):c.2500G>C (p.Val834Leu)

Gene: VPS13A (vacuolar protein sorting 13 homolog A; plus strand). Cytogenetic location: 9q21.2.
Variant type: single nucleotide variant.
Coding change: c.2500G>C on transcript NM_033305.3 (MANE Select); coding-DNA position 2500, G replaced by C.
Protein change: p.Val834Leu; replaces valine 834 with leucine.
Molecular consequence: missense variant.
Genome position (GRCh38, 1-based): chr9:77,273,352, G>C. VCF-style: chr9-77273352-G-C. GRCh37 (hg19) VCF-style: chr9-79888268-G-C.
Other names: c.2500G>C, p.Val834Leu (NM_001018037.2, NM_001018038.3, NM_015186.4); short protein forms V834L.
Identifiers: ClinVar variation 1701572 (VCV001701572.31), dbSNP rs201567434, ClinGen allele CA5091966.